The following is an entry in ClinVar:

NM_016417.3(GLRX5):c.229del (p.Leu77fs)

Gene: GLRX5 (glutaredoxin 5; plus strand). Cytogenetic location: 14q32.13.
Variant type: Deletion.
Coding change: c.229del on transcript NM_016417.3 (MANE Select); coding-DNA position 229, one base deleted (C; older notation c.229delC).
Protein change: p.Leu77fs; shifts the reading frame from leucine 77.
Molecular consequence: frameshift variant.
Genome position (GRCh38, 1-based): chr14:95,535,318, C deleted; the last of 2 consecutive C bases (chr14:95,535,317-95,535,318); deleting either gives the same sequence. VCF-style (leftmost placement, unchanged base first): chr14-95535316-TC-T. GRCh37 (hg19) VCF-style: chr14-96001653-TC-T.
Other names: short protein forms L77fs.
Identifiers: ClinVar variation 3653266 (VCV003653266.2).

ClinVar aggregate classification (germline): Uncertain significance (1 of 4 stars; one submission).

Submission:

Labcorp Genetics (formerly Invitae), Labcorp
Classification: Uncertain significance. Last evaluated: 2024-07-05. Review status: criteria provided, single submitter. Criteria: Invitae Variant Classification Sherloc (09022015). Collection method: clinical testing. Allele origin: germline.
Comment: This sequence change creates a premature translational stop signal (p.Leu77Cysfs*43) in the GLRX5 gene. While this is not anticipated to result in nonsense mediated decay, it is expected to disrupt the last 81 amino acid(s) of the GLRX5 protein. This variant is not present in population databases (gnomAD no frequency). This variant has not been reported in the literature in individuals affected with GLRX5-related conditions. In summary, the available evidence is currently insufficient to determine the role of this variant in disease. Therefore, it has been classified as a Variant of Uncertain Significance.